The following is an entry in ClinVar:

NM_000186.4(CFH):c.2757dup (p.Trp920fs)

Gene: CFH (complement factor H; plus strand). Cytogenetic location: 1q31.3.
Variant type: Duplication.
Coding change: c.2757dup on transcript NM_000186.4 (MANE Select); coding-DNA position 2757, one base duplicated (A; older notation c.2757dupA).
Protein change: p.Trp920fs; shifts the reading frame from tryptophan 920.
Molecular consequence: frameshift variant.
Genome position (GRCh38, 1-based): chr1:196,737,635, A duplicated; the last of 4 consecutive A bases (chr1:196,737,632-196,737,635); duplicating any one gives the same sequence. VCF-style (leftmost placement, unchanged base first): chr1-196737631-G-GA. GRCh37 (hg19) VCF-style: chr1-196706761-G-GA.
Other names: short protein forms W920fs.
Identifiers: ClinVar variation 4291507 (VCV004291507.1).

ClinVar aggregate classification (germline): Likely pathogenic, low penetrance (1 of 4 stars; one submission).

Conditions:
Atypical hemolytic-uremic syndrome. Identifiers: Orphanet 2134, MedGen C2931788, MONDO:0016244.
Basal laminar drusen. Also called: DRUSEN OF BRUCH MEMBRANE; DRUSEN, CUTICULAR; DRUSEN, EARLY ADULT-ONSET, GROUPED. Identifiers: Orphanet 75376, MedGen C0730295, MONDO:0007472, OMIM 126700.
Factor H deficiency (CFHD). Also called: COMPLEMENT FACTOR H DEFICIENCY; CFH DEFICIENCY. Identifiers: Orphanet 200421, MedGen C0398777, MONDO:0012350, OMIM 609814.
Age related macular degeneration 4. Identifiers: MedGen C1853147, MONDO:0012540, OMIM 610698.

Submission:

Genomenon, Inc
Classification: Likely pathogenic, low penetrance for Basal laminar drusen; Age related macular degeneration 4; Atypical hemolytic-uremic syndrome; Factor H deficiency. Last evaluated: 2025-10-02. Review status: criteria provided, single submitter. Criteria: Genomenon Sequence Variant Interpretation Standards - Updated. Collection method: curation. Allele origin: germline. Affected: no.
Comment: CFH p.Trp920MetfsTer8 (c.2757dup) is a frameshift variant that results in the production of a truncated protein which is predicted to undergo nonsense-mediated mRNA decay. This variant has been reported in the published literature (PMID:38320731). It is absent or not present at a significant frequency in gnomAD. In conclusion, we classify CFH p.Trp920MetfsTer8 (c.2757dup) as a likely pathogenic, low penetrance variant.

Literature cited by the submitters: PubMed 38320731.